The following is an entry in ClinVar:

NM_001384140.1(PCDH15):c.1178C>T (p.Pro393Leu)

Gene: PCDH15 (protocadherin related 15; minus strand). Cytogenetic location: 10q21.1.
Variant type: single nucleotide variant.
Coding change: c.1178C>T on transcript NM_001384140.1 (MANE Select); coding-DNA position 1178, C replaced by T.
Protein change: p.Pro393Leu; replaces proline 393 with leucine.
Molecular consequence: missense variant.
Genome position (GRCh38, 1-based): chr10:54,195,810, G>A on the plus strand (C>T on the coding strand, the complement: PCDH15 is on the minus strand). VCF-style: chr10-54195810-G-A. GRCh37 (hg19) VCF-style: chr10-55955570-G-A.
Other names: c.1193C>T, p.Pro398Leu (NM_001142763.2, NM_001142769.4, NM_001142771.2); c.1178C>T, p.Pro393Leu (NM_001142764.2, NM_001142765.2, NM_001142766.2 and 7 more transcripts); c.1067C>T, p.Pro356Leu (NM_001142767.2); c.1112C>T, p.Pro371Leu (NM_001142768.2, NM_001142773.2, NM_001354404.2); short protein forms P371L, P356L, P393L, P398L.
Identifiers: ClinVar variation 2445674 (VCV002445674.1), dbSNP rs2539682486, ClinGen allele CA376519226.

ClinVar aggregate classification (germline): Likely pathogenic (1 of 4 stars; one submission).

Conditions:
Autosomal recessive nonsyndromic hearing loss 23. Identifiers: Orphanet 90636, MedGen C1836027, MONDO:0012293, OMIM 609533.

Allele frequency attached by ClinVar (database versions not stated): gnomAD exomes below 0.00001.
gnomAD v4.1: 6 of 1,613,976 alleles (0.00037%); highest among the groups gnomAD compares: Non-Finnish European, 0.00051%; no homozygotes.

Submission:

King Laboratory, University of Washington
Classification: Likely pathogenic for Autosomal recessive nonsyndromic hearing loss 23. Last evaluated: 2023-02-28. Review status: criteria provided, single submitter. Criteria: Li et al. (Genet Med. 2022). Collection method: research. Allele origin: unknown. Affected: yes.
Comment: This variant is a missense at a highly conserved site in the cadherin domain of the PCDH15 protein and is predicted to be damaging by multiple in-silico tools. As of January 2023, this variant has not been reported to ClinVar and is not found on gnomAD. Based on compound heterozygosity with a loss-of-function variant, consistently predicted functional effect, and goodness of fit of genotype to phenotype, we conclude that this variant is likely pathogenic.

Literature cited by the submitters: PubMed 36633841.